The following is an entry in ClinVar:

NM_201384.3(PLEC):c.7498G>T (p.Asp2500Tyr)

Gene: PLEC (plectin; minus strand). Cytogenetic location: 8q24.3.
Variant type: single nucleotide variant.
Coding change: c.7498G>T on transcript NM_201384.3 (MANE Select); coding-DNA position 7498, G replaced by T.
Protein change: p.Asp2500Tyr; replaces aspartic acid 2500 with tyrosine.
Molecular consequence: missense variant.
Genome position (GRCh38, 1-based): chr8:143,922,323, C>A on the plus strand (G>T on the coding strand, the complement: PLEC is on the minus strand). VCF-style: chr8-143922323-C-A. GRCh37 (hg19) VCF-style: chr8-144996491-C-A.
Other names: c.7579G>T, p.Asp2527Tyr (NM_000445.5); c.4198G>T, p.Asp1400Tyr (NM_001410941.1); c.7456G>T, p.Asp2486Tyr (NM_201378.4); c.7432G>T, p.Asp2478Tyr (NM_201379.3); c.7909G>T, p.Asp2637Tyr (NM_201380.4); c.7402G>T, p.Asp2468Tyr (NM_201381.3); c.7498G>T, p.Asp2500Tyr (NM_201382.4); c.7510G>T, p.Asp2504Tyr (NM_201383.3); short protein forms D1400Y, D2468Y, D2478Y, D2486Y, D2500Y, D2504Y, D2527Y, D2637Y.
Identifiers: ClinVar variation 3749102 (VCV003749102.2).
Genomic context (GRCh38, chr8:143,922,323, plus strand): 5'-AGAGCTGCTCCAGCTTGGCCTTCTCCTGCTCGATGAAGCGCTCCCGCTGTAGCAGGCTGT[C>A]CTTTTCAGAGAGGAAGCTTTGCTGCAGGGCCTGCGTCTCCTGCAGCAGCTGCTCCTGCTG-3'
Protein context (NP_958786.1, residues 2490-2510): ALQQSFLSEK[Asp2500Tyr]SLLQRERFIE

ClinVar aggregate classification (germline): Uncertain significance (1 of 4 stars; one submission).

Conditions:
Epidermolysis bullosa simplex with nail dystrophy (EBS5D). Identifiers: MedGen C4225309, MONDO:0014661, OMIM 616487.
Autosomal recessive limb-girdle muscular dystrophy type 2Q (LGMDR17). Also called: MUSCULAR DYSTROPHY, LIMB-GIRDLE, AUTOSOMAL RECESSIVE 17. Identifiers: Orphanet 254361, MedGen C3150989, MONDO:0013390, OMIM 613723.
Epidermolysis bullosa simplex 5B, with muscular dystrophy (EBS5B). Also called: Epidermolysis bullosa simplex with muscular dystrophy; EPIDERMOLYSIS BULLOSA SIMPLEX AND LIMB-GIRDLE MUSCULAR DYSTROPHY. Identifiers: Orphanet 257, MedGen C2931072, MONDO:0009181, OMIM 226670.
Epidermolysis bullosa simplex 5C, with pyloric atresia (EBS5C). Also called: PLEC-Related Epidermolysis Bullosa with Pyloric Atresia; Epidermolysis bullosa simplex with pyloric atresia; PLEC1-Related Epidermolysis Bullosa with Pyloric Atresia. Identifiers: Orphanet 158684, MedGen C2677349, MONDO:0012807, OMIM 612138.
Epidermolysis bullosa simplex, Ogna type (EBS5A). Also called: Pidermolysis bullosa simplex 5A, Ogna type; EPIDERMOLYSIS BULLOSA SIMPLEX 5A, OGNA TYPE. Identifiers: Orphanet 79401, MedGen C0432317, MONDO:0007555, OMIM 131950.

Submission:

Labcorp Genetics (formerly Invitae), Labcorp
Classification: Uncertain significance for Autosomal recessive limb-girdle muscular dystrophy type 2Q; Epidermolysis bullosa simplex, Ogna type; Epidermolysis bullosa simplex with nail dystrophy; Epidermolysis bullosa simplex 5C, with pyloric atresia; Epidermolysis bullosa simplex 5B, with muscular dystrophy. Last evaluated: 2024-03-08. Review status: criteria provided, single submitter. Criteria: Invitae Variant Classification Sherloc (09022015). Collection method: clinical testing. Allele origin: germline.
Comment: This sequence change replaces aspartic acid, which is acidic and polar, with tyrosine, which is neutral and polar, at codon 2527 of the PLEC protein (p.Asp2527Tyr). This variant is not present in population databases (gnomAD no frequency). This variant has not been reported in the literature in individuals affected with PLEC-related conditions. Advanced modeling of protein sequence and biophysical properties (such as structural, functional, and spatial information, amino acid conservation, physicochemical variation, residue mobility, and thermodynamic stability) performed at Invitae indicates that this missense variant is not expected to disrupt PLEC protein function with a negative predictive value of 80%. In summary, the available evidence is currently insufficient to determine the role of this variant in disease. Therefore, it has been classified as a Variant of Uncertain Significance.